The following is an entry in ClinVar:

NM_133433.4(NIPBL):c.1477_1479del (p.Lys493del)

Gene: NIPBL (NIPBL cohesin loading factor; plus strand). Cytogenetic location: 5p13.2.
Variant type: Deletion.
Coding change: c.1477_1479del on transcript NM_133433.4 (MANE Select); coding-DNA positions 1477 to 1479, 3 bases deleted (AAA; older notation c.1477_1479delAAA).
Protein change: p.Lys493del; deletes lysine 493.
Genome position (GRCh38, 1-based): chr5:36,976,384-36,976,386, AAA deleted; deleting any 3 consecutive bases within chr5:36,976,383-36,976,386 gives the same sequence; the c. name uses the placement nearest the transcript's 3' end. VCF-style (leftmost placement, unchanged base first): chr5-36976382-CAAA-C. GRCh37 (hg19) VCF-style: chr5-36976484-CAAA-C.
Other names: c.1477_1479del, p.Lys493del (NM_015384.5); short protein forms K493del.
Identifiers: ClinVar variation 3772570 (VCV003772570.13).

ClinVar aggregate classification (germline): Likely pathogenic (1 of 4 stars; one submission).

Submission:

CeGaT Center for Human Genetics Tuebingen
Classification: Likely pathogenic. Last evaluated: 2025-02-01. Review status: criteria provided, single submitter. Criteria: CeGaT Center For Human Genetics Tuebingen Variant Classification Criteria Version 2. Collection method: clinical testing. Allele origin: germline. Affected: yes. Observed: 1 variant allele.
Comment: NIPBL: PS2, PM2, PM4:Supporting